The following is an entry in ClinVar:

ClinVar aggregate classification (germline): Uncertain significance. Review status: criteria provided, multiple submitters, no conflicts (2 of 4 stars). 3 submissions from 3 submitters: Uncertain significance (3). Last evaluated 2025-06-09.

Conditions:
Inborn genetic diseases. Identifiers: MedGen C0950123, MeSH D030342.
Nephrotic syndrome, type 3 (NPHS3). Also called: NEPHROTIC SYNDROME, EARLY-ONSET, TYPE 3. Identifiers: Orphanet 656, MedGen C1853124, MONDO:0012546, OMIM 610725.

Allele frequency attached by ClinVar (database versions not stated): ExAC 0.00001; gnomAD 0.00001.
gnomAD v4.1: 74 of 1,613,584 alleles (0.0046%); highest among the groups gnomAD compares: Non-Finnish European, 0.0058%; no homozygotes.

Submissions (3):

Ambry Genetics
Classification: Uncertain significance for Inborn genetic diseases. Last evaluated: 2025-06-09. Review status: criteria provided, single submitter. Criteria: Ambry Variant Classification Scheme 2023. Collection method: clinical testing. Allele origin: germline.

Fulgent Genetics
Classification: Uncertain significance for Nephrotic syndrome, type 3. Last evaluated: 2024-05-28. Review status: criteria provided, single submitter. Criteria: ACMG Guidelines, 2015. Collection method: clinical testing. Allele origin: germline.

Mayo Clinic Laboratories, Mayo Clinic
Classification: Uncertain significance. Last evaluated: 2022-11-21. Review status: criteria provided, single submitter. Criteria: ACMG Guidelines, 2015. Collection method: clinical testing. Allele origin: germline. Observed: 1 variant allele.
Comment: BP4

NM_016341.4(PLCE1):c.5063C>G (p.Ser1688Cys)

Gene: PLCE1 (phospholipase C epsilon 1; plus strand). Cytogenetic location: 10q23.33.
Variant type: single nucleotide variant.
Coding change: c.5063C>G on transcript NM_016341.4 (MANE Select); coding-DNA position 5063, C replaced by G.
Protein change: p.Ser1688Cys; replaces serine 1688 with cysteine.
Molecular consequence: missense variant.
Genome position (GRCh38, 1-based): chr10:94,293,535, C>G. VCF-style: chr10-94293535-C-G. GRCh37 (hg19) VCF-style: chr10-96053292-C-G.
Other names: p.Ser1688Cys; c.4139C>G, p.Ser1380Cys (NM_001165979.2); c.5015C>G, p.Ser1672Cys (NM_001288989.2); c.5063C>G (NM_016341.3); short protein forms S1380C, S1672C, S1688C.
Identifiers: ClinVar variation 2683116 (VCV002683116.3), dbSNP rs765229262, ClinGen allele CA5613285.